The following is an entry in ClinVar:

NM_014159.7(SETD2):c.622G>A (p.Val208Ile)

Gene: SETD2 (SET domain containing 2, histone lysine methyltransferase; minus strand). Cytogenetic location: 3p21.31.
Variant type: single nucleotide variant.
Coding change: c.622G>A on transcript NM_014159.7 (MANE Select); coding-DNA position 622, G replaced by A.
Protein change: p.Val208Ile; replaces valine 208 with isoleucine.
Molecular consequence: missense variant. On other transcripts: non-coding transcript variant (1).
Genome position (GRCh38, 1-based): chr3:47,124,014, C>T on the plus strand (G>A on the coding strand, the complement: SETD2 is on the minus strand). VCF-style: chr3-47124014-C-T. GRCh37 (hg19) VCF-style: chr3-47165504-C-T.
Other names: c.490G>A, p.Val164Ile (NM_001349370.3); short protein forms V164I, V208I.
Identifiers: ClinVar variation 2412843 (VCV002412843.3), dbSNP rs2043220562, ClinGen allele CA352535817.

ClinVar aggregate classification (germline): Uncertain significance (1 of 4 stars; one submission).

Submission:

GeneDx
Classification: Uncertain significance. Last evaluated: 2022-07-28. Review status: criteria provided, single submitter. Criteria: GeneDx Variant Classification Process June 2021. Collection method: clinical testing. Allele origin: germline. Affected: yes.
Comment: Not observed at significant frequency in large population cohorts (gnomAD); In silico analysis supports that this missense variant does not alter protein structure/function; Has not been previously published as pathogenic or benign to our knowledge